The following is an entry in ClinVar:

ClinVar aggregate classification (germline): Uncertain significance (1 of 4 stars; one submission).

Allele frequency attached by ClinVar (database versions not stated): TOPMed 0.00001.
gnomAD v4.1: 14 of 1,605,748 alleles (0.00087%); highest among the groups gnomAD compares: African/African-American, 0.0027%; no homozygotes.

Submission:

Labcorp Genetics (formerly Invitae), Labcorp
Classification: Uncertain significance. Last evaluated: 2024-07-13. Review status: criteria provided, single submitter. Criteria: Invitae Variant Classification Sherloc (09022015). Collection method: clinical testing. Allele origin: germline.
Comment: This sequence change affects codon 27 of the FAM111A mRNA. It is a 'silent' change, meaning that it does not change the encoded amino acid sequence of the FAM111A protein. This variant also falls at the last nucleotide of exon 3, which is part of the consensus splice site for this exon. The frequency data for this variant in the population databases is considered unreliable, as metrics indicate poor data quality at this position in the gnomAD database. This variant has not been reported in the literature in individuals affected with FAM111A-related conditions. ClinVar contains an entry for this variant (Variation ID: 2080637). Variants that disrupt the consensus splice site are a relatively common cause of aberrant splicing (PMID: 17576681, 9536098). Algorithms developed to predict the effect of sequence changes on RNA splicing suggest that this variant may disrupt the consensus splice site. In summary, the available evidence is currently insufficient to determine the role of this variant in disease. Therefore, it has been classified as a Variant of Uncertain Significance.

Literature cited by the submitters: PubMed 17576681; PubMed 9536098.

NM_001312909.2(FAM111A):c.81G>A (p.Pro27=)

Gene: FAM111A (FAM111 trypsin like peptidase A; plus strand). Cytogenetic location: 11q12.1.
Variant type: single nucleotide variant.
Coding change: c.81G>A on transcript NM_001312909.2 (MANE Select); coding-DNA position 81, G replaced by A.
Protein change: p.Pro27=; no amino-acid change (proline 27 retained).
Molecular consequence: synonymous variant.
Genome position (GRCh38, 1-based): chr11:59,148,953, G>A. VCF-style: chr11-59148953-G-A. GRCh37 (hg19) VCF-style: chr11-58916426-G-A.
Other names: c.81G>A, p.Pro27= (NM_001142519.3, NM_001142520.3, NM_001142521.3 and 29 more transcripts).
Identifiers: ClinVar variation 2080637 (VCV002080637.4), dbSNP rs747211416, ClinGen allele CA223175584.